The following is an entry in ClinVar:

NM_001366385.1(CARD14):c.2168C>A (p.Ser723Tyr)

Genes: SGSH (N-sulfoglucosamine sulfohydrolase; minus strand), CARD14 (caspase recruitment domain family member 14; plus strand). Cytogenetic location: 17q25.3.
Variant type: single nucleotide variant.
Coding change: c.2168C>A on transcript NM_001366385.1 (MANE Select); coding-DNA position 2168, C replaced by A.
Protein change: p.Ser723Tyr; replaces serine 723 with tyrosine.
Molecular consequence: missense variant. On other transcripts: non-coding transcript variant (1).
Genome position (GRCh38, 1-based): chr17:80,202,369, C>A. VCF-style: chr17-80202369-C-A. GRCh37 (hg19) VCF-style: chr17-78176168-C-A.
Other names: c.2168C>A, p.Ser723Tyr (NM_001257970.1, NM_024110.4); c.2168C>A (NM_024110.3); short protein forms S723Y.
Identifiers: ClinVar variation 2931347 (VCV002931347.4), dbSNP rs772887668, ClinGen allele CA8817196.

ClinVar aggregate classification (germline): Uncertain significance. Review status: criteria provided, multiple submitters, no conflicts (2 of 4 stars). 2 submissions from 2 submitters: Uncertain significance (2). Last evaluated 2025-06-03.

Conditions:
Pityriasis rubra pilaris (PRP). Also called: Pityriasis rubra pilaris--familial type. Identifiers: Orphanet 2897, MedGen C0032027, MONDO:0100017, OMIM 173200, MONDO:0008251.
Psoriasis 2. Identifiers: MedGen C1864497, MONDO:0011269, OMIM 602723.
Inborn genetic diseases. Identifiers: MedGen C0950123, MeSH D030342.

Allele frequency attached by ClinVar (database versions not stated): ExAC 0.00002.
gnomAD v4.1: 4 of 1,613,406 alleles (0.00025%); highest among the groups gnomAD compares: East Asian, 0.0089%; no homozygotes.

Submissions (2):

Ambry Genetics
Classification: Uncertain significance for Inborn genetic diseases. Last evaluated: 2025-06-03. Review status: criteria provided, single submitter. Criteria: Ambry Variant Classification Scheme 2023. Collection method: clinical testing. Allele origin: germline.

Labcorp Genetics (formerly Invitae), Labcorp
Classification: Uncertain significance for Pityriasis rubra pilaris; Psoriasis 2. Last evaluated: 2023-07-07. Review status: criteria provided, single submitter. Criteria: Invitae Variant Classification Sherloc (09022015). Collection method: clinical testing. Allele origin: germline.
Comment: This sequence change replaces serine, which is neutral and polar, with tyrosine, which is neutral and polar, at codon 723 of the CARD14 protein (p.Ser723Tyr). This variant is present in population databases (rs772887668, gnomAD 0.02%). This variant has not been reported in the literature in individuals affected with CARD14-related conditions. Advanced modeling of protein sequence and biophysical properties (such as structural, functional, and spatial information, amino acid conservation, physicochemical variation, residue mobility, and thermodynamic stability) performed at Invitae indicates that this missense variant is not expected to disrupt CARD14 protein function. In summary, the available evidence is currently insufficient to determine the role of this variant in disease. Therefore, it has been classified as a Variant of Uncertain Significance.